The following is an entry in ClinVar:

NM_014112.5(TRPS1):c.878A>G (p.Gln293Arg)

Gene: TRPS1 (transcriptional repressor GATA binding 1; minus strand). Cytogenetic location: 8q23.3.
Variant type: single nucleotide variant.
Coding change: c.878A>G on transcript NM_014112.5 (MANE Select); coding-DNA position 878, A replaced by G.
Protein change: p.Gln293Arg; replaces glutamine 293 with arginine.
Molecular consequence: missense variant.
Genome position (GRCh38, 1-based): chr8:115,619,220, T>C on the plus strand (A>G on the coding strand, the complement: TRPS1 is on the minus strand). VCF-style: chr8-115619220-T-C. GRCh37 (hg19) VCF-style: chr8-116631447-T-C.
Other names: c.851A>G, p.Gln284Arg (NM_001282902.3); c.857A>G, p.Gln286Arg (NM_001282903.3); c.839A>G, p.Gln280Arg (NM_001330599.2); short protein forms Q280R, Q284R, Q286R, Q293R.
Identifiers: ClinVar variation 3749747 (VCV003749747.2).
Genomic context (GRCh38, chr8:115,619,220, plus strand): 5'-ACAGGCCTTGAAGAATTGATGTCCTGCAGCACACCAGAAAACACAGAACGGTTGACCTTC[T>C]GGAAGTCTTTGGAATGGCTGAACTGCACCATGTTATGAAGGGCCAAGATTTTGCTGTCCA-3'
Protein context (NP_054831.2, residues 283-303): MVQFSHSKDF[Gln293Arg]KVNRSVFSGV

ClinVar aggregate classification (germline): Uncertain significance (1 of 4 stars; one submission).

Conditions:
Trichorhinophalangeal syndrome, type III (TRPS3). Also called: SUGIO-KAJII SYNDROME. Identifiers: Orphanet 77258, MedGen C1860823, OMIM 190351, MONDO:0008597.
Trichorhinophalangeal dysplasia type I (TRPS1). Also called: TRICHORHINOPHALANGEAL SYNDROME, TYPE I; TRPS I. Identifiers: Orphanet 77258, MedGen C0432233, MONDO:0008596, OMIM 190350.

gnomAD v4.1: 5 of 1,614,046 alleles (0.00031%); highest among the groups gnomAD compares: Non-Finnish European, 0.00034%; no homozygotes.

Submission:

Labcorp Genetics (formerly Invitae), Labcorp
Classification: Uncertain significance for Trichorhinophalangeal syndrome, type III; Trichorhinophalangeal dysplasia type I. Last evaluated: 2024-06-13. Review status: criteria provided, single submitter. Criteria: Invitae Variant Classification Sherloc (09022015). Collection method: clinical testing. Allele origin: germline.
Comment: This sequence change replaces glutamine, which is neutral and polar, with arginine, which is basic and polar, at codon 293 of the TRPS1 protein (p.Gln293Arg). This variant is present in population databases (no rsID available, gnomAD no frequency). This variant has not been reported in the literature in individuals affected with TRPS1-related conditions. Advanced modeling of protein sequence and biophysical properties (such as structural, functional, and spatial information, amino acid conservation, physicochemical variation, residue mobility, and thermodynamic stability) performed at Invitae indicates that this missense variant is not expected to disrupt TRPS1 protein function with a negative predictive value of 80%. In summary, the available evidence is currently insufficient to determine the role of this variant in disease. Therefore, it has been classified as a Variant of Uncertain Significance.